The following is an entry in ClinVar:

ClinVar aggregate classification (germline): Uncertain significance. Review status: criteria provided, multiple submitters, no conflicts (2 of 4 stars). 4 submissions from 4 submitters: Uncertain significance (4). Last evaluated 2025-12-24.

Conditions:
Hereditary cancer-predisposing syndrome. Also called: Tumor predisposition; Hereditary Cancer Syndrome; Hereditary neoplastic syndrome; Neoplastic Syndromes, Hereditary. Identifiers: Orphanet 140162, MedGen C0027672, MeSH D009386, MONDO:0015356.
Familial cancer of breast. Also called: hereditary breast carcinoma; BREAST CANCER, FAMILIAL; Hereditary breast cancer. Identifiers: Orphanet 227535, MedGen C0346153, MONDO:0016419, OMIM 114480. Disease mechanism: loss of function.

Submissions (4):

Labcorp Genetics (formerly Invitae), Labcorp
Classification: Uncertain significance for Familial cancer of breast. Last evaluated: 2025-12-24. Review status: criteria provided, single submitter. Criteria: Invitae Variant Classification Sherloc (09022015). Collection method: clinical testing. Allele origin: germline.
Comment: This sequence change replaces glycine, which is neutral and non-polar, with cysteine, which is neutral and slightly polar, at codon 780 of the PALB2 protein (p.Gly780Cys). This variant is not present in population databases (gnomAD no frequency). This variant has not been reported in the literature in individuals affected with PALB2-related conditions. ClinVar contains an entry for this variant (Variation ID: 486027). Invitae Evidence Modeling of protein sequence and biophysical properties (such as structural, functional, and spatial information, amino acid conservation, physicochemical variation, residue mobility, and thermodynamic stability) indicates that this missense variant is not expected to disrupt PALB2 protein function with a negative predictive value of 80%. In summary, the available evidence is currently insufficient to determine the role of this variant in disease. Therefore, it has been classified as a Variant of Uncertain Significance.

Ambry Genetics
Classification: Uncertain significance for Hereditary cancer-predisposing syndrome. Last evaluated: 2025-03-27. Review status: criteria provided, single submitter. Criteria: Ambry Variant Classification Scheme 2023. Collection method: clinical testing. Allele origin: germline.
Comment: The p.G780C variant (also known as c.2338G>T), located in coding exon 5 of the PALB2 gene, results from a G to T substitution at nucleotide position 2338. The glycine at codon 780 is replaced by cysteine, an amino acid with highly dissimilar properties. This amino acid position is poorly conserved in available vertebrate species. In addition, this alteration is predicted to be tolerated by in silico analysis. Since supporting evidence is limited at this time, the clinical significance of this alteration remains unclear.

GeneDx
Classification: Uncertain significance. Last evaluated: 2024-03-20. Review status: criteria provided, single submitter. Criteria: GeneDx Variant Classification Process June 2021. Collection method: clinical testing. Allele origin: germline. Affected: yes.
Comment: Not observed at significant frequency in large population cohorts (gnomAD); In silico analysis supports that this missense variant does not alter protein structure/function; Has not been previously published as pathogenic or benign to our knowledge; This variant is associated with the following publications: (PMID: 24485656)

Color Diagnostics, LLC DBA Color Health
Classification: Uncertain significance for Hereditary cancer-predisposing syndrome. Last evaluated: 2023-12-05. Review status: criteria provided, single submitter. Criteria: ACMG Guidelines, 2015. Collection method: clinical testing. Allele origin: germline.
Comment: This missense variant replaces glycine with cysteine at codon 780 of the PALB2 protein. Computational prediction suggests that this variant may not impact protein structure and function (internally defined REVEL score threshold <= 0.5, PMID: 27666373). To our knowledge, functional studies have not been reported for this variant. This variant has not been reported in individuals affected with PALB2-related disorders in the literature. This variant has not been identified in the general population by the Genome Aggregation Database (gnomAD). The available evidence is insufficient to determine the role of this variant in disease conclusively. Therefore, this variant is classified as a Variant of Uncertain Significance.

NM_024675.4(PALB2):c.2338G>T (p.Gly780Cys)

Gene: PALB2 (partner and localizer of BRCA2; minus strand). Cytogenetic location: 16p12.2.
Variant type: single nucleotide variant.
Coding change: c.2338G>T on transcript NM_024675.4 (MANE Select); coding-DNA position 2338, G replaced by T.
Protein change: p.Gly780Cys; replaces glycine 780 with cysteine.
Molecular consequence: missense variant.
Genome position (GRCh38, 1-based): chr16:23,629,816, C>A on the plus strand (G>T on the coding strand, the complement: PALB2 is on the minus strand). VCF-style: chr16-23629816-C-A. GRCh37 (hg19) VCF-style: chr16-23641137-C-A.
Other names: short protein forms G780C.
Identifiers: ClinVar variation 486027 (VCV000486027.16), dbSNP rs1555460392, ClinGen allele CA395124984.